The following is an entry in ClinVar:

ClinVar aggregate classification (germline): Uncertain significance (1 of 4 stars; one submission).

Conditions:
Intellectual developmental disorder, X-linked 90. Also called: DLG3-Related X-Linked Nonsyndromic Mental Retardation; Intellectual disability, X-linked 90. Identifiers: Orphanet 777, MedGen C3275443, MONDO:0010452, OMIM 300850.

gnomAD v4.1: 1 of 1,205,760 alleles (0.000083%); no homozygotes.

Submission:

Equipe Genetique des Anomalies du Developpement, Université de Bourgogne
Classification: Uncertain significance for Intellectual developmental disorder, X-linked 90. Last evaluated: 2025-01-31. Review status: criteria provided, single submitter. Criteria: ACMG Guidelines, 2015. Collection method: curation. Allele origin: germline. Affected: yes.
Comment: Literature review. This variant is a missense which replaces a glycine with a serine at position 787. Hemizygous pathogenic variants in DLG3 are reported in an autosomal dominant intellectual disability (OMIM #300850). This variant is not present in male individuals in gnomAD (v4.1.0). It has not been reported in ClinVar and was reported in the literature (preprint by Alagoz et al., 2021). In silico prediction scores are inconclusive. Based on these evidences, the variant was classified as of uncertain significance.

Literature cited by the submitters: DOI 10.21203/rs.3.rs-692598/v1.

NM_021120.4(DLG3):c.2359G>A (p.Gly787Ser)

Gene: DLG3 (discs large MAGUK scaffold protein 3; plus strand). Cytogenetic location: Xq13.1.
Variant type: single nucleotide variant.
Coding change: c.2359G>A on transcript NM_021120.4 (MANE Select); coding-DNA position 2359, G replaced by A.
Protein change: p.Gly787Ser; replaces glycine 787 with serine.
Molecular consequence: missense variant.
Genome position (GRCh38, 1-based): chrX:70,502,174, G>A. VCF-style: chrX-70502174-G-A. GRCh37 (hg19) VCF-style: chrX-69722024-G-A.
Other names: c.1006G>A, p.Gly336Ser (NM_001166278.2); c.1444G>A, p.Gly482Ser (NM_020730.3); short protein forms G336S, G482S, G787S.
Identifiers: ClinVar variation 3770155 (VCV003770155.1).